The following is an entry in ClinVar:

ClinVar aggregate classification (germline): Uncertain significance. Review status: criteria provided, multiple submitters, no conflicts (2 of 4 stars). 2 submissions from 2 submitters: Uncertain significance (2). Last evaluated 2026-07-06.

Conditions:
Hereditary cancer-predisposing syndrome. Also called: Hereditary Cancer Syndrome; Hereditary neoplastic syndrome; Neoplastic Syndromes, Hereditary; Tumor predisposition. Identifiers: Orphanet 140162, MedGen C0027672, MeSH D009386, MONDO:0015356.

Submissions (2):

Ambry Genetics
Classification: Uncertain significance for Hereditary cancer-predisposing syndrome. Last evaluated: 2026-07-06. Review status: criteria provided, single submitter. Criteria: Ambry Variant Classification Scheme 2023. Collection method: clinical testing. Allele origin: germline.
Comment: The p.A20G variant (also known as c.59C>G), located in coding exon 1 of the FH gene, results from a C to G substitution at nucleotide position 59. The alanine at codon 20 is replaced by glycine, an amino acid with similar properties. This amino acid position is conserved. In addition, the in silico prediction for this alteration is inconclusive. Based on the available evidence, the clinical significance of this variant remains unclear.

Labcorp Genetics (formerly Invitae), Labcorp
Classification: Uncertain significance. Last evaluated: 2025-06-16. Review status: criteria provided, single submitter. Criteria: Invitae Variant Classification Sherloc (09022015). Collection method: clinical testing. Allele origin: germline.
Comment: This sequence change replaces alanine, which is neutral and non-polar, with glycine, which is neutral and non-polar, at codon 20 of the FH protein (p.Ala20Gly). This variant is not present in population databases (gnomAD no frequency). This variant has not been reported in the literature in individuals affected with FH-related conditions. ClinVar contains an entry for this variant (Variation ID: 2874924). Invitae Evidence Modeling of protein sequence and biophysical properties (such as structural, functional, and spatial information, amino acid conservation, physicochemical variation, residue mobility, and thermodynamic stability) indicates that this missense variant is not expected to disrupt FH protein function with a negative predictive value of 95%. In summary, the available evidence is currently insufficient to determine the role of this variant in disease. Therefore, it has been classified as a Variant of Uncertain Significance.

NM_000143.4(FH):c.59C>G (p.Ala20Gly)

Gene: FH (fumarate hydratase; minus strand). Cytogenetic location: 1q43.
Variant type: single nucleotide variant.
Coding change: c.59C>G on transcript NM_000143.4 (MANE Select); coding-DNA position 59, C replaced by G.
Protein change: p.Ala20Gly; replaces alanine 20 with glycine.
Molecular consequence: missense variant.
Genome position (GRCh38, 1-based): chr1:241,519,664, G>C on the plus strand (C>G on the coding strand, the complement: FH is on the minus strand). VCF-style: chr1-241519664-G-C. GRCh37 (hg19) VCF-style: chr1-241682964-G-C.
Other names: short protein forms A20G.
Identifiers: ClinVar variation 2874924 (VCV002874924.4), dbSNP rs1573889953, ClinGen allele CA345442917.
Genomic context (GRCh38, chr1:241,519,664, plus strand): 5'-TTCGGAGGCCAAAACGAGGGCACGGCCGCGCCACCCAAGCCGGGAGCCGAAGCTAAGGCT[G>C]CGGCTGGAGCCCGCACGAGGGGACGCGAGCGCGCGAGGAGCCGAAGTGCTCGGTACATGG-3'
Protein context (NP_000134.2, residues 10-30): RSRPLVRAPA[Ala20Gly]ALASAPGLGG